The following is an entry in ClinVar:

NM_002734.5(PRKAR1A):c.156A>G (p.Glu52=)

Gene: PRKAR1A (protein kinase cAMP-dependent type I regulatory subunit alpha; plus strand). Cytogenetic location: 17q24.2.
Variant type: single nucleotide variant.
Coding change: c.156A>G on transcript NM_002734.5 (MANE Select); coding-DNA position 156, A replaced by G.
Protein change: p.Glu52=; no amino-acid change (glutamic acid 52 retained).
Molecular consequence: synonymous variant.
Genome position (GRCh38, 1-based): chr17:68,515,555, A>G. VCF-style: chr17-68515555-A-G. GRCh37 (hg19) VCF-style: chr17-66511696-A-G.
Other names: c.156A>G (NM_212471.2); c.156A>G, p.Glu52= (NM_001276289.2, NM_001276290.1, NM_001278433.2 and 4 more transcripts).
Identifiers: ClinVar variation 413781 (VCV000413781.25), dbSNP rs141432364, ClinGen allele CA8729166.

ClinVar aggregate classification (germline): Benign/Likely benign. Review status: criteria provided, multiple submitters, no conflicts (2 of 4 stars). 8 submissions from 7 submitters: Benign (5); Likely benign (3). Last evaluated 2026-02-03.

Conditions:
Hereditary cancer-predisposing syndrome. Also called: Tumor predisposition; Hereditary neoplastic syndrome; Hereditary Cancer Syndrome; Neoplastic Syndromes, Hereditary. Identifiers: Orphanet 140162, MedGen C0027672, MeSH D009386, MONDO:0015356.
Acrodysostosis 1 with or without hormone resistance (ACRDYS1). Also called: ACRODYSOSTOSIS WITH HORMONE RESISTANCE; ACRODYSOSTOSIS 1 WITH HORMONE RESISTANCE; ACRODYSOSTOSIS 1 WITHOUT HORMONE RESISTANCE. Identifiers: Orphanet 280651, MedGen C3276228, MONDO:0007044, OMIM 101800.
Familial atrial myxoma. Identifiers: Orphanet 615, MedGen C2931787, MONDO:0009719, OMIM 255960.
Carney complex, type 1 (CNC1). Also called: CARNEY MYXOMA-ENDOCRINE COMPLEX; CARNEY COMPLEX, TYPE I. Identifiers: Orphanet 1359, MedGen C2607929, MONDO:0008057, OMIM 160980.

Allele frequency attached by ClinVar (database versions not stated): gnomAD 0.00012; TOPMed 0.00012; ESP Exome Variant Server 0.00015; ExAC 0.00018; gnomAD exomes 0.00021.
gnomAD v4.1: 177 of 1,612,508 alleles (0.011%); highest among the groups gnomAD compares: Middle Eastern, 0.021%; no homozygotes.

Submissions (8):

Labcorp Genetics (formerly Invitae), Labcorp
Classification: Benign for Carney complex, type 1. Last evaluated: 2026-02-03. Review status: criteria provided, single submitter. Criteria: Invitae Variant Classification Sherloc (09022015). Collection method: clinical testing. Allele origin: germline.

CeGaT Center for Human Genetics Tuebingen
Classification: Likely benign. Last evaluated: 2026-01-01. Review status: criteria provided, single submitter. Criteria: CeGaT Center For Human Genetics Tuebingen Variant Classification Criteria Version 2. Collection method: clinical testing. Allele origin: germline. Affected: yes. Observed: 1 variant allele.
Comment: PRKAR1A: BP4, BP7

Blueprint Genetics
Classification: Benign. Last evaluated: 2023-07-14. Review status: criteria provided, single submitter. Criteria: ACMG Guidelines, 2015. Collection method: clinical testing. Allele origin: germline.

KCCC/NGS Laboratory, Kuwait Cancer Control Center
Classification: Likely benign for Familial atrial myxoma. Last evaluated: 2023-07-07. Review status: criteria provided, single submitter. Criteria: ACMG Guidelines, 2015. Collection method: clinical testing. Allele origin: germline. Affected: yes.

Sema4
Classification: Benign for Hereditary cancer-predisposing syndrome. Last evaluated: 2022-01-01. Review status: criteria provided, single submitter. Criteria: Sema4 Curation Guidelines. Collection method: curation. Allele origin: germline.

Illumina Laboratory Services, Illumina
Classification: Benign for Carney complex, type 1. Last evaluated: 2018-01-13. Review status: criteria provided, single submitter. Criteria: ICSL Variant Classification Criteria 13 December 2019. Collection method: clinical testing. Allele origin: germline.
Comment: This variant was observed in the ICSL laboratory as part of a predisposition screen in an ostensibly healthy population. It had not been previously curated by ICSL or reported in the Human Gene Mutation Database (HGMD: prior to June 1st, 2018), and was therefore a candidate for classification through an automated scoring system. Utilizing variant allele frequency, disease prevalence and penetrance estimates, and inheritance mode, an automated score was calculated to assess if this variant is too frequent to cause the disease. Based on the score and internal cut-off values, a variant classified as benign is not then subjected to further curation. The score for this variant resulted in a classification of benign for this disease.

Illumina Laboratory Services, Illumina
Classification: Benign for Acrodysostosis 1 with or without hormone resistance. Last evaluated: 2018-01-13. Review status: criteria provided, single submitter. Criteria: ICSL Variant Classification Criteria 13 December 2019. Collection method: clinical testing. Allele origin: germline.
Comment: the same text as in the submission from Illumina Laboratory Services, Illumina above.

Ambry Genetics
Classification: Likely benign for Hereditary cancer-predisposing syndrome. Last evaluated: 2017-08-18. Review status: criteria provided, single submitter. Criteria: Ambry Variant Classification Scheme 2023. Collection method: clinical testing. Allele origin: germline.